The following is an entry in ClinVar:

NM_001244008.2(KIF1A):c.959-9_959-7del

Gene: KIF1A (kinesin family member 1A; minus strand). Cytogenetic location: 2q37.3.
Variant type: Microsatellite.
Coding change: c.959-9_959-7del on transcript NM_001244008.2 (MANE Select); 9 bases into the intron before coding-DNA position 959 through 7 bases into the intron before coding-DNA position 959, 3 bases deleted (TTC; older notation c.959-9_959-7delTTC).
Molecular consequence: intron variant.
Genome position (GRCh38, 1-based): chr2:240,774,268-240,774,270, GAA deleted on the plus strand (TTC on the coding strand, the reverse complement: KIF1A is on the minus strand); deleting any 3 consecutive bases within chr2:240,774,268-240,774,275 gives the same sequence; the c. name uses the placement nearest the transcript's 3' end. VCF-style (leftmost placement, unchanged base first): chr2-240774267-GGAA-G. GRCh37 (hg19) VCF-style: chr2-241713684-GGAA-G.
Other names: c.959-9_959-7del (NM_001379653.1, NM_001379650.1, NM_001379645.1 and 20 more transcripts).
Identifiers: ClinVar variation 1573102 (VCV001573102.12), dbSNP rs779790393, ClinGen allele CA2208567.

ClinVar aggregate classification (germline): Conflicting classifications of pathogenicity. Review status: criteria provided, conflicting classifications (1 of 4 stars). 2 submissions from 2 submitters: Uncertain significance (1); Likely benign (1). Last evaluated 2024-05-06.

Conditions:
Hereditary spastic paraplegia 30. Identifiers: Orphanet 101010, MedGen C5235139, MONDO:0012476.
Neuropathy, hereditary sensory, type 2C. Also called: Hereditary sensory and autonomic neuropathy type IIC; KIF1A-Related HSAN2 (HSAN2C). Identifiers: Orphanet 970, MedGen C3280168, MONDO:0013634, OMIM 614213.
Intellectual disability, autosomal dominant 9 (NESCAVS). Also called: NESCAV SYNDROME; KIF1A-Related Neurodevelopmental Disorder. Identifiers: Orphanet 662367, MedGen C5393830, MONDO:0013656, OMIM 614255.

Submissions (2):

Labcorp Genetics (formerly Invitae), Labcorp
Classification: Likely benign for Hereditary spastic paraplegia 30; Neuropathy, hereditary sensory, type 2C; Intellectual disability, autosomal dominant 9. Last evaluated: 2024-05-06. Review status: criteria provided, single submitter. Criteria: Invitae Variant Classification Sherloc (09022015). Collection method: clinical testing. Allele origin: germline.

GeneDx
Classification: Uncertain significance. Last evaluated: 2023-06-20. Review status: criteria provided, single submitter. Criteria: GeneDx Variant Classification Process June 2021. Collection method: clinical testing. Allele origin: germline. Affected: yes.
Comment: Has not been previously published as pathogenic or benign to our knowledge; In silico analysis is inconclusive as to whether the variant alters gene splicing. In the absence of RNA/functional studies, the actual effect of this sequence change is unknown.